The following is an entry in ClinVar:

ClinVar aggregate classification (germline): Likely benign (1 of 4 stars; one submission).

Allele frequency attached by ClinVar (database versions not stated): ExAC 0.00071; TOPMed 0.00087; gnomAD 0.00093; ESP Exome Variant Server 0.00123; gnomAD exomes 0.00195.

Submission:

CeGaT Center for Human Genetics Tuebingen
Classification: Likely benign. Last evaluated: 2022-11-01. Review status: criteria provided, single submitter. Criteria: CeGaT Center For Human Genetics Tuebingen Variant Classification Criteria Version 2. Collection method: clinical testing. Allele origin: germline. Affected: yes. Observed: 1 variant allele.
Comment: SERINC2: BP4, BP7

NM_178865.5(SERINC2):c.1263G>A (p.Thr421=)

Genes: SERINC2 (serine incorporator 2; plus strand), LOC110594336 (MS1 minisatellite repeat instability region; plus strand). Cytogenetic location: 1p35.2.
Variant type: single nucleotide variant.
Coding change: c.1263G>A on transcript NM_178865.5 (MANE Select); coding-DNA position 1263, G replaced by A.
Protein change: p.Thr421=; no amino-acid change (threonine 421 retained).
Molecular consequence: synonymous variant.
Genome position (GRCh38, 1-based): chr1:31,434,094, G>A. VCF-style: chr1-31434094-G-A. GRCh37 (hg19) VCF-style: chr1-31906941-G-A.
Other names: c.1275G>A, p.Thr425= (NM_001199037.2, NM_018565.4); c.1290G>A, p.Thr430= (NM_001199038.2); c.1098G>A, p.Thr366= (NM_001199039.2).
Identifiers: ClinVar variation 2638602 (VCV002638602.24), dbSNP rs11554767, ClinGen allele CA731246.